The following is an entry in ClinVar:

NM_000179.3(MSH6):c.2996C>A (p.Thr999Asn)

Gene: MSH6 (mutS homolog 6; plus strand). Cytogenetic location: 2p16.3.
Variant type: single nucleotide variant.
Coding change: c.2996C>A on transcript NM_000179.3 (MANE Select); coding-DNA position 2996, C replaced by A.
Protein change: p.Thr999Asn; replaces threonine 999 with asparagine.
Molecular consequence: missense variant.
Genome position (GRCh38, 1-based): chr2:47,800,979, C>A. VCF-style: chr2-47800979-C-A. GRCh37 (hg19) VCF-style: chr2-48028118-C-A.
Other names: c.2606C>A, p.Thr869Asn (NM_001281492.2); c.2090C>A, p.Thr697Asn (NM_001281493.2, NM_001281494.2); short protein forms T999N, T697N, T869N.
Identifiers: ClinVar variation 420457 (VCV000420457.3), dbSNP rs1064794488, ClinGen allele CA16617689.

ClinVar aggregate classification (germline): Uncertain significance. Review status: criteria provided, multiple submitters, no conflicts (2 of 4 stars). 2 submissions from 2 submitters: Uncertain significance (2). Last evaluated 2025-03-04.

Submissions (2):

Center for Genomic Medicine, Rigshospitalet, Copenhagen University Hospital
Classification: Uncertain significance. Last evaluated: 2025-03-04. Review status: criteria provided, single submitter. Criteria: ACMG Guidelines, 2015. Collection method: clinical testing. Allele origin: germline.

GeneDx
Classification: Uncertain significance. Last evaluated: 2016-04-15. Review status: criteria provided, single submitter. Criteria: GeneDx Variant Classification (06012015). Collection method: clinical testing. Allele origin: germline. Affected: yes.
Comment: This variant is denoted MSH6 c.2996C>A at the cDNA level, p.Thr999Asn (T999N) at the protein level, and results in the change of a Threonine to an Asparagine (ACC>AAC). This variant has not, to our knowledge, been published in the literature as pathogenic or benign. MSH6 Thr999Asn was not observed in approximately 6,500 individuals of European and African American ancestry in the NHLBI Exome Sequencing Project, suggesting it is not a common benign variant in these populations. Since Threonine and Asparagine share similar properties, this is considered a conservative amino acid substitution. MSH6 Thr999Asn occurs at a position where amino acids with properties similar to Threonine are tolerated across species and is located within the domain IV of the MutS domain (Terui 2013). In silico analyses are inconsistent regarding the effect this variant may have on protein structure and function. Based on currently available evidence, it is unclear whether MSH6 Thr999Asn is a pathogenic or benign variant. We consider it to be a variant of uncertain significance.